The following is an entry in ClinVar:

ClinVar aggregate classification (germline): Uncertain significance (1 of 4 stars; one submission).

Allele frequency attached by ClinVar (database versions not stated): TOPMed below 0.00001.

Submission:

Labcorp Genetics (formerly Invitae), Labcorp
Classification: Uncertain significance. Last evaluated: 2022-06-27. Review status: criteria provided, single submitter. Criteria: Invitae Variant Classification Sherloc (09022015). Collection method: clinical testing. Allele origin: germline.
Comment: In summary, the available evidence is currently insufficient to determine the role of this variant in disease. Therefore, it has been classified as a Variant of Uncertain Significance. Advanced modeling of protein sequence and biophysical properties (such as structural, functional, and spatial information, amino acid conservation, physicochemical variation, residue mobility, and thermodynamic stability) performed at Invitae indicates that this missense variant is not expected to disrupt FLNB protein function. This variant has not been reported in the literature in individuals affected with FLNB-related conditions. This variant is not present in population databases (gnomAD no frequency). This sequence change replaces isoleucine, which is neutral and non-polar, with phenylalanine, which is neutral and non-polar, at codon 594 of the FLNB protein (p.Ile594Phe).

NM_001457.4(FLNB):c.1780A>T (p.Ile594Phe)

Gene: FLNB (filamin B; plus strand). Cytogenetic location: 3p14.3.
Variant type: single nucleotide variant.
Coding change: c.1780A>T on transcript NM_001457.4 (MANE Select); coding-DNA position 1780, A replaced by T.
Protein change: p.Ile594Phe; replaces isoleucine 594 with phenylalanine.
Molecular consequence: missense variant.
Genome position (GRCh38, 1-based): chr3:58,106,712, A>T. VCF-style: chr3-58106712-A-T. GRCh37 (hg19) VCF-style: chr3-58092439-A-T.
Other names: c.1780A>T, p.Ile594Phe (NM_001164317.2, NM_001164318.2, NM_001164319.2); short protein forms I594F.
Identifiers: ClinVar variation 1504704 (VCV001504704.8), dbSNP rs1032537786, ClinGen allele CA75432190.
Genomic context (GRCh38, chr3:58,106,712, plus strand): 5'-GGGAGACCCTTCCACCTCCACCCCCTAGGGTTTGCCATTGAAGGCCCCTCTCAGGCAAAG[A>T]TTGAGTACAACGACCAGAATGATGGATCGTGTGATGTCAAATACTGGCCCAAGGAGCCTG-3'
Protein context (NP_001448.2, residues 584-604): FAIEGPSQAK[Ile594Phe]EYNDQNDGSC